The following is an entry in ClinVar:

NM_000138.5(FBN1):c.1061_1067dup (p.Met356fs)

Genes: FBN1 (fibrillin 1; minus strand), LOC113939944 (Sharpr-MPRA regulatory region 9539; plus strand). Cytogenetic location: 15q21.1.
Variant type: Duplication.
Coding change: c.1061_1067dup on transcript NM_000138.5 (MANE Select); coding-DNA positions 1061 to 1067, 7 bases duplicated (CCAAAAT; older notation c.1061_1067dupCCAAAAT).
Protein change: p.Met356fs; shifts the reading frame from methionine 356.
Molecular consequence: frameshift variant.
Genome position (GRCh38, 1-based): chr15:48,520,739-48,520,745, ATTTTGG duplicated on the plus strand (CCAAAAT on the coding strand, the reverse complement: FBN1 is on the minus strand). VCF-style (leftmost placement, unchanged base first): chr15-48520738-C-CATTTTGG. GRCh37 (hg19) VCF-style: chr15-48812935-C-CATTTTGG.
Other names: c.1061_1067dup, p.Met356fs (NM_001406716.1); short protein forms M356fs.
Identifiers: ClinVar variation 2953440 (VCV002953440.3), dbSNP rs2505629049, ClinGen allele CA2740096688.
Genomic context (GRCh38, chr15:48,520,738, plus strand): 5'-CATCTCAGGGGCGACAGTGACCCCTGGAGACCAGCATCGGCCGGCATCACAGCAGCACTG[C>CATTTTGG]ATTTTGGTTATGGACTGTGGCAGCTGGTTAGAGCAGCGCCCGTTTGTCAGAGCTGTGTAA-3'

ClinVar aggregate classification (germline): Pathogenic (1 of 4 stars; one submission).

Conditions:
Marfan syndrome (MFS). Also called: MARFAN SYNDROME, TYPE I; Marfan syndrome type 1; Marfan's syndrome; Marfan syndrome, classic; FBN1-Related Marfan Syndrome. Identifiers: Orphanet 284963, Orphanet 558, MedGen C0024796, MONDO:0007947, OMIM 154700.
Familial thoracic aortic aneurysm and aortic dissection (TAAD). Also called: Thoracic aortic aneurysms and dissections. Identifiers: Orphanet 91387, MedGen C4707243, MONDO:0019625.

Submission:

Labcorp Genetics (formerly Invitae), Labcorp
Classification: Pathogenic for Marfan syndrome; Familial thoracic aortic aneurysm and aortic dissection. Last evaluated: 2023-11-22. Review status: criteria provided, single submitter. Criteria: Invitae Variant Classification Sherloc (09022015). Collection method: clinical testing. Allele origin: germline.
Comment: This sequence change creates a premature translational stop signal (p.Met356Ilefs*8) in the FBN1 gene. It is expected to result in an absent or disrupted protein product. Loss-of-function variants in FBN1 are known to be pathogenic (PMID: 17657824, 19293843). This variant is not present in population databases (gnomAD no frequency). This variant has not been reported in the literature in individuals affected with FBN1-related conditions. For these reasons, this variant has been classified as Pathogenic.

Literature cited by the submitters: PubMed 17657824; PubMed 19293843.